The following is an entry in ClinVar:

ClinVar aggregate classification (germline): Likely benign (1 of 4 stars; one submission).

Conditions:
Cardiomyopathy (CMYO). Also called: Cardiomyopathies. Identifiers: Orphanet 167848, MedGen C0878544, MONDO:0004994, HP:0001638. Inheritance: Various modes of inheritance.

Submission:

Women's Health and Genetics/Laboratory Corporation of America, LabCorp
Classification: Likely benign for Cardiomyopathy. Last evaluated: 2011-08-18. Review status: criteria provided, single submitter. Criteria: LabCorp Variant Classification Summary - May 2015. Collection method: curation. Allele origin: germline. Inheritance: autosomal unknown. Affected: yes.
ClinVar note: Converted during submission from likely benign to Likely benign.

NM_001103.4(ACTN2):c.2577C>T (p.Ala859=)

Gene: ACTN2 (actinin alpha 2; plus strand). Cytogenetic location: 1q43.
Variant type: single nucleotide variant.
Coding change: c.2577C>T on transcript NM_001103.4 (MANE Select); coding-DNA position 2577, C replaced by T.
Protein change: p.Ala859=; no amino-acid change (alanine 859 retained).
Molecular consequence: synonymous variant.
Genome position (GRCh38, 1-based): chr1:236,762,511, C>T. VCF-style: chr1-236762511-C-T. GRCh37 (hg19) VCF-style: chr1-236925811-C-T.
Other names: c.2577C>T, p.Ala859= (NM_001278343.2); c.1953C>T, p.Ala651= (NM_001278344.2).
Identifiers: ClinVar variation 35651 (VCV000035651.4), dbSNP rs193922636, ClinGen allele CA325668.